The following is an entry in ClinVar:

ClinVar aggregate classification (germline): Uncertain significance (1 of 4 stars; one submission).

Conditions:
Microcephaly-intellectual disability-sensorineural hearing loss-epilepsy-abnormal muscle tone syndrome (NEDHSB). Also called: NEURODEVELOPMENTAL DISORDER WITH HEARING LOSS, SEIZURES, AND BRAIN ABNORMALITIES. Identifiers: Orphanet 457351, MedGen C4225276, MONDO:0014698, OMIM 616577.

Submission:

Labcorp Genetics (formerly Invitae), Labcorp
Classification: Uncertain significance for Microcephaly-intellectual disability-sensorineural hearing loss-epilepsy-abnormal muscle tone syndrome. Last evaluated: 2022-07-16. Review status: criteria provided, single submitter. Criteria: Invitae Variant Classification Sherloc (09022015). Collection method: clinical testing. Allele origin: germline.
Comment: This sequence change replaces threonine, which is neutral and polar, with isoleucine, which is neutral and non-polar, at codon 892 of the SPATA5 protein (p.Thr892Ile). This variant is not present in population databases (gnomAD no frequency). This variant has not been reported in the literature in individuals affected with SPATA5-related conditions. Advanced modeling of protein sequence and biophysical properties (such as structural, functional, and spatial information, amino acid conservation, physicochemical variation, residue mobility, and thermodynamic stability) performed at Invitae indicates that this missense variant is not expected to disrupt SPATA5 protein function. In summary, the available evidence is currently insufficient to determine the role of this variant in disease. Therefore, it has been classified as a Variant of Uncertain Significance.

NM_145207.3(AFG2A):c.2675C>T (p.Thr892Ile)

Gene: AFG2A (AFG2 AAA ATPase homolog A; plus strand). Cytogenetic location: 4q28.1.
Variant type: single nucleotide variant.
Coding change: c.2675C>T on transcript NM_145207.3 (MANE Select); coding-DNA position 2675, C replaced by T.
Protein change: p.Thr892Ile; replaces threonine 892 with isoleucine.
Molecular consequence: missense variant.
Genome position (GRCh38, 1-based): chr4:123,314,057, C>T. VCF-style: chr4-123314057-C-T. GRCh37 (hg19) VCF-style: chr4-124235212-C-T.
Other names: c.2672C>T, p.Thr891Ile (NM_001345856.2); short protein forms T891I, T892I.
Identifiers: ClinVar variation 2165075 (VCV002165075.1), dbSNP rs1004391153, ClinGen allele CA105295673.